The following is an entry in ClinVar:

ClinVar aggregate classification (germline): Benign/Likely benign. Review status: criteria provided, multiple submitters, no conflicts (2 of 4 stars). 4 submissions from 4 submitters: Benign (1); Likely benign (2). 1 of the submissions does not count toward it. Last evaluated 2025-06-03.

Conditions:
SERPINB6-related disorder. Also called: SERPINB6-related condition.

Allele frequency attached by ClinVar (database versions not stated): gnomAD exomes 0.00163 and 0.00142; 1000 Genomes Project 30x 0.00031; 1000 Genomes Project 0.00040; TOPMed 0.00070; gnomAD 0.00098 and 0.00100; ESP Exome Variant Server 0.00108; ExAC 0.00154.
gnomAD v4.1: 2,491 of 1,614,120 alleles (0.15%); highest among the groups gnomAD compares: Non-Finnish European, 0.18%; 1 homozygote.

Submissions (4):

Labcorp Genetics (formerly Invitae), Labcorp
Classification: Benign. Last evaluated: 2025-06-03. Review status: criteria provided, single submitter. Criteria: Invitae Variant Classification Sherloc (09022015). Collection method: clinical testing. Allele origin: germline.

Blueprint Genetics
Classification: Likely benign. Last evaluated: 2024-11-21. Review status: criteria provided, single submitter. Criteria: ACMG Guidelines, 2015. Collection method: clinical testing. Allele origin: germline.

Laboratory for Molecular Medicine, Mass General Brigham Personalized Medicine
Classification: Likely benign. Last evaluated: 2015-08-11. Review status: criteria provided, single submitter. Criteria: LMM Criteria. Collection method: clinical testing. Allele origin: germline. Observed: 4 variant alleles.
Comment: p.Asn365Asn in Exon 08 of SERPINB6: This variant is not expected to have clinica l significance because it does not alter an amino acid residue, is not located w ithin the splice consensus sequence, and has been identified in 0.3% (23/5696) F innish chromosomes and in 0.2% (156/66564) of European chromosomes by the Exome Aggregation Consortium (ExAC; dbSNP rs145397970) .

PreventionGenetics, part of Exact Sciences
Classification: Likely benign for SERPINB6-related condition. Last evaluated: 2019-06-18. Review status: no assertion criteria provided. Collection method: clinical testing. Allele origin: germline. Not counted in ClinVar's aggregate classification.
Comment: This variant is classified as likely benign based on ACMG/AMP sequence variant interpretation guidelines (Richards et al. 2015 PMID: 25741868, with internal and published modifications).

NM_004568.6(SERPINB6):c.1095C>T (p.Asn365=)

Gene: SERPINB6 (serpin family B member 6; minus strand). Cytogenetic location: 6p25.2.
Variant type: single nucleotide variant.
Coding change: c.1095C>T on transcript NM_004568.6 (MANE Select); coding-DNA position 1095, C replaced by T.
Protein change: p.Asn365=; no amino-acid change (asparagine 365 retained).
Molecular consequence: synonymous variant. On other transcripts: non-coding transcript variant (1).
Genome position (GRCh38, 1-based): chr6:2,948,334, G>A on the plus strand (C>T on the coding strand, the complement: SERPINB6 is on the minus strand). VCF-style: chr6-2948334-G-A. GRCh37 (hg19) VCF-style: chr6-2948568-G-A.
Other names: c.1107C>T, p.Asn369= (NM_001195291.3, NM_001374515.1); c.1137C>T, p.Asn379= (NM_001271822.2); c.1152C>T, p.Asn384= (NM_001271823.2); c.1095C>T, p.Asn365= (NM_001271824.2, NM_001271825.2, NM_001297699.2 and 2 more transcripts); c.963C>T, p.Asn321= (NM_001374517.1).
Identifiers: ClinVar variation 165188 (VCV000165188.18), dbSNP rs145397970, ClinGen allele CA177907.